The following is an entry in ClinVar:

NM_005060.4(RORC):c.156+61_156+62insCACACACA

Gene: RORC (RAR related orphan receptor C; minus strand). Cytogenetic location: 1q21.3.
Variant type: Microsatellite.
Coding change: c.156+61_156+62insCACACACA on transcript NM_005060.4 (MANE Select); bases 61 to 62 of the intron after coding-DNA position 156, CACACACA inserted.
Molecular consequence: intron variant.
Genome position: GRCh38 VCF-style: chr1-151817133-C-CGTGTGTGT. GRCh37 (hg19) VCF-style: chr1-151789609-C-CGTGTGTGT.
Other names: c.93+61_93+62insCACACACA (NM_001001523.2).
Identifiers: ClinVar variation 2687924 (VCV002687924.2), dbSNP rs1558166671, ClinGen allele CA916310265.

ClinVar aggregate classification (germline): Benign (1 of 4 stars; one submission).

Submission:

Unidad de Genómica Garrahan, Hospital de Pediatría Garrahan
Classification: Benign. Last evaluated: 2024-01-24. Review status: criteria provided, single submitter. Criteria: ACMG Guidelines, 2015. Collection method: clinical testing. Allele origin: germline. Affected: no. Observed: 19 variant alleles.
Comment: This variant is classified as Benign based on local population frequency. This variant was detected in 20% of patients studied by a panel of primary immunodeficiencies. Number of patients: 19. Only high quality variants are reported.